The following is an entry in ClinVar:

ClinVar aggregate classification (germline): Conflicting classifications of pathogenicity. Review status: criteria provided, conflicting classifications (1 of 4 stars). 5 submissions from 5 submitters: Uncertain significance (1); Likely benign (4). Last evaluated 2025-08-12.

Conditions:
Cardiac arrhythmia. Also called: Arrhythmia; Cardiac rhythm disease. Identifiers: MedGen C0003811, MONDO:0007263, HP:0011675.
Cardiovascular phenotype. Identifiers: MedGen CN230736.
Long QT syndrome (LQTS). Identifiers: MedGen C0023976, MeSH D008133, MONDO:0002442. Disease mechanism: loss of function. Inheritance: Various modes of inheritance.

Allele frequency attached by ClinVar (database versions not stated): TOPMed 0.00002.
gnomAD v4.1: 24 of 1,589,298 alleles (0.0015%); highest among the groups gnomAD compares: Middle Eastern, 0.017%; no homozygotes.

Submissions (5):

Mayo Clinic Laboratories, Mayo Clinic
Classification: Likely benign. Last evaluated: 2025-08-12. Review status: criteria provided, single submitter. Criteria: ACMG Guidelines, 2015. Collection method: clinical testing. Allele origin: germline. Observed: 1 variant allele.
Comment: BP4, BP7, PM2_supporting

Labcorp Genetics (formerly Invitae), Labcorp
Classification: Likely benign for Long QT syndrome. Last evaluated: 2024-07-03. Review status: criteria provided, single submitter. Criteria: Invitae Variant Classification Sherloc (09022015). Collection method: clinical testing. Allele origin: germline.

Ambry Genetics
Classification: Uncertain significance for Cardiovascular phenotype. Last evaluated: 2024-05-16. Review status: criteria provided, single submitter. Criteria: Ambry Variant Classification Scheme 2023. Collection method: clinical testing. Allele origin: germline.
Comment: The c.77-5C>T intronic variant results from a C to T substitution 5 nucleotides upstream from coding exon 2 in the KCNH2 gene. This nucleotide position is not well conserved in available vertebrate species. In silico splice site analysis predicts that this alteration will not have any significant effect on splicing. Based on the available evidence, the clinical significance of this variant remains unclear.

All of Us Research Program, National Institutes of Health
Classification: Likely benign for Long QT syndrome. Last evaluated: 2023-10-02. Review status: criteria provided, single submitter. Criteria: ACMG Guidelines, 2015. Collection method: clinical testing. Allele origin: germline. Inheritance: Autosomal dominant inheritance. Observed: 6 variant alleles, 6 heterozygotes.
Comment: This study involves interpretation of variants in research participants for the purpose of population health screening. Participant phenotype was not available at the time of variant classification. Additional details can be found in publication PMID: 35346344, PMCID: PMC8962531

Color Diagnostics, LLC DBA Color Health
Classification: Likely benign for Arrhythmia. Last evaluated: 2019-05-28. Review status: criteria provided, single submitter. Criteria: ACMG Guidelines, 2015. Collection method: clinical testing. Allele origin: germline.

NM_000238.4(KCNH2):c.77-5C>T

Gene: KCNH2 (potassium voltage-gated channel subfamily H member 2; minus strand). Cytogenetic location: 7q36.1.
Variant type: single nucleotide variant.
Coding change: c.77-5C>T on transcript NM_000238.4 (MANE Select); 5 bases into the intron before coding-DNA position 77, C replaced by T.
Molecular consequence: intron variant.
Genome position (GRCh38, 1-based): chr7:150,974,946, G>A on the plus strand (C>T on the coding strand, the complement: KCNH2 is on the minus strand). VCF-style: chr7-150974946-G-A. GRCh37 (hg19) VCF-style: chr7-150672034-G-A.
Other names: p.?; c.77-5C>T (NM_172056.3); c.-101-5C>T (NM_001406755.1).
Identifiers: ClinVar variation 222672 (VCV000222672.20), dbSNP rs72549419, ClinGen allele CA353900.
Genomic context (GRCh38, chr7:150,974,946, plus strand): 5'-GCAGTAGATGACGGCGCAGTTCTCCACCCGAGCGTTGGCGATGATGAACTTACGGCCTAG[G>A]GGGGCGGGGAGGAGAGTGCGCGTGAGCGGGGACCCCAGCCTCCGGGACTCCCAGCCCTTC-3'